The following is an entry in ClinVar:

NM_004100.5(EYA4):c.1603A>G (p.Ile535Val)

Genes: EYA4 (EYA transcriptional coactivator and phosphatase 4; plus strand), TARID (TCF21 antisense RNA inducing promoter demethylation; minus strand). Cytogenetic location: 6q23.2.
Variant type: single nucleotide variant.
Coding change: c.1603A>G on transcript NM_004100.5 (MANE Select); coding-DNA position 1603, A replaced by G.
Protein change: p.Ile535Val; replaces isoleucine 535 with valine.
Molecular consequence: missense variant.
Genome position (GRCh38, 1-based): chr6:133,515,422, A>G. VCF-style: chr6-133515422-A-G. GRCh37 (hg19) VCF-style: chr6-133836560-A-G.
Other names: c.1441A>G, p.Ile481Val (NM_001301012.2); c.1621A>G, p.Ile541Val (NM_001301013.2); c.1534A>G, p.Ile512Val (NM_001370458.1, NM_172103.4); c.1459A>G, p.Ile487Val (NM_001370459.1); c.1603A>G, p.Ile535Val (NM_172105.4); short protein forms I535V, I481V, I512V, I487V, I541V.
Identifiers: ClinVar variation 191665 (VCV000191665.9), dbSNP rs200300314, ClinGen allele CA237194.

ClinVar aggregate classification (germline): Uncertain significance. Review status: criteria provided, multiple submitters, no conflicts (2 of 4 stars). 3 submissions from 3 submitters: Uncertain significance (3). Last evaluated 2026-06-16.

Conditions:
EYA4-related disorder. Also called: EYA4-related disorders; EYA4-related condition. Identifiers: MedGen CN239388.
Dilated cardiomyopathy 1J (CMD1J). Also called: CARDIOMYOPATHY, DILATED, WITH SENSORINEURAL HEARING LOSS, AUTOSOMAL DOMINANT. Identifiers: Orphanet 217622, MedGen C1854368, MONDO:0011541, OMIM 605362.

Allele frequency attached by ClinVar (database versions not stated): gnomAD exomes 0.00001 and 0.00005; ExAC 0.00002; TOPMed 0.00002; gnomAD 0.00003 and 0.00004.
gnomAD v4.1: 74 of 1,575,676 alleles (0.0047%); highest among the groups gnomAD compares: Non-Finnish European, 0.0063%; no homozygotes.

Submissions (3):

PreventionGenetics, part of Exact Sciences
Classification: Uncertain significance for EYA4-related condition. Last evaluated: 2026-06-16. Review status: criteria provided, single submitter. Criteria: ACMG Guidelines, 2015. Collection method: clinical testing. Allele origin: germline.
Comment: The EYA4 c.1603A>G variant is predicted to result in the amino acid substitution p.Ile535Val. To our knowledge, this variant has not been reported in the literature. This variant is reported in 0.0033% of alleles in individuals of South Asian descent in gnomAD. At this time, the clinical significance of this variant is uncertain due to the absence of conclusive functional and genetic evidence.

Labcorp Genetics (formerly Invitae), Labcorp
Classification: Uncertain significance for Dilated cardiomyopathy 1J. Last evaluated: 2025-07-23. Review status: criteria provided, single submitter. Criteria: Invitae Variant Classification Sherloc (09022015). Collection method: clinical testing. Allele origin: germline.
Comment: This sequence change replaces isoleucine, which is neutral and non-polar, with valine, which is neutral and non-polar, at codon 535 of the EYA4 protein (p.Ile535Val). This variant is present in population databases (rs200300314, gnomAD 0.003%). This variant has not been reported in the literature in individuals affected with EYA4-related conditions. ClinVar contains an entry for this variant (Variation ID: 191665). Invitae Evidence Modeling of protein sequence and biophysical properties (such as structural, functional, and spatial information, amino acid conservation, physicochemical variation, residue mobility, and thermodynamic stability) indicates that this missense variant is not expected to disrupt EYA4 protein function with a negative predictive value of 80%. In summary, the available evidence is currently insufficient to determine the role of this variant in disease. Therefore, it has been classified as a Variant of Uncertain Significance.

Biesecker Lab/Clinical Genomics Section, National Institutes of Health
Classification: Uncertain significance. Last evaluated: 2013-06-24. Review status: criteria provided, single submitter. Criteria: Ng et al. (Circ Cardiovasc Genet. 2013). Collection method: research. Allele origin: unknown. Observed: 1 variant allele. Study: ClinSeq.
Comment: The study set was not selected for affection status in relation to any cancer. Pathogenicity categories were based on literature curation. See Pubmed ID:23861362 for details.

Medical sequencing